The following is an entry in ClinVar:

NM_001363.5(DKC1):c.16+5G>A

Gene: DKC1 (dyskerin pseudouridine synthase 1; plus strand). Cytogenetic location: Xq28.
Variant type: single nucleotide variant.
Coding change: c.16+5G>A on transcript NM_001363.5 (MANE Select); 5 bases into the intron after coding-DNA position 16, G replaced by A.
Molecular consequence: intron variant.
Genome position (GRCh38, 1-based): chrX:154,762,986, G>A. VCF-style: chrX-154762986-G-A. GRCh37 (hg19) VCF-style: chrX-153991261-G-A.
Other names: c.16+5G>A (NM_001288747.2, NM_001142463.3).
Identifiers: ClinVar variation 434941 (VCV000434941.7), dbSNP rs1242996115, ClinGen allele CA645246311.
Genomic context (GRCh38, chrX:154,762,986, plus strand): 5'-CGGCTGTGGACCGGGCGGCACGCACGCGGTGCAGGGTAACATGGCGGATGCGGAAGGTAA[G>A]GGCTGCAGGCTTCCGGGCCGTGCTAACTCCGGGCGACTCGGGGAACGGGGGTGGGGGGAT-3'

ClinVar aggregate classification (germline): Uncertain significance. Review status: criteria provided, multiple submitters, no conflicts (2 of 4 stars). 2 submissions from 2 submitters: Uncertain significance (2). Last evaluated 2025-05-01.

Conditions:
Dyskeratosis congenita. Identifiers: Orphanet 1775, MedGen C0265965, MONDO:0015780.

Allele frequency attached by ClinVar (database versions not stated): TOPMed below 0.00001; gnomAD 0.00001; gnomAD exomes 0.00002.
gnomAD v4.1: 6 of 1,179,920 alleles (0.00051%); highest among the groups gnomAD compares: East Asian, 0.0031%; no homozygotes.

Submissions (2):

Labcorp Genetics (formerly Invitae), Labcorp
Classification: Uncertain significance for Dyskeratosis congenita. Last evaluated: 2025-05-01. Review status: criteria provided, single submitter. Criteria: Invitae Variant Classification Sherloc (09022015). Collection method: clinical testing. Allele origin: germline.
Comment: This sequence change falls in intron 1 of the DKC1 gene. It does not directly change the encoded amino acid sequence of the DKC1 protein. It affects a nucleotide within the consensus splice site. This variant is present in population databases (no rsID available, gnomAD 0.01%). This variant has not been reported in the literature in individuals affected with DKC1-related conditions. ClinVar contains an entry for this variant (Variation ID: 434941). Variants that disrupt the consensus splice site are a relatively common cause of aberrant splicing (PMID: 17576681, 9536098). Algorithms developed to predict the effect of sequence changes on RNA splicing suggest that this variant is not likely to affect RNA splicing. In summary, the available evidence is currently insufficient to determine the role of this variant in disease. Therefore, it has been classified as a Variant of Uncertain Significance.

Genetic Services Laboratory, University of Chicago
Classification: Uncertain significance. Last evaluated: 2016-09-27. Review status: criteria provided, single submitter. Criteria: ACMG Guidelines, 2015. Collection method: clinical testing. Allele origin: germline. Affected: no.

Literature cited by the submitters: PubMed 17576681 (cited by Labcorp Genetics (formerly Invitae), Labcorp); PubMed 9536098 (cited by Labcorp Genetics (formerly Invitae), Labcorp).